The following is an entry in ClinVar:

NM_198253.3(TERT):c.2970+3G>A

Gene: TERT (telomerase reverse transcriptase; minus strand). Cytogenetic location: 5p15.33.
Variant type: single nucleotide variant.
Coding change: c.2970+3G>A on transcript NM_198253.3 (MANE Select); 3 bases into the intron after coding-DNA position 2970, G replaced by A.
Molecular consequence: intron variant.
Genome position (GRCh38, 1-based): chr5:1,260,471, C>T on the plus strand (G>A on the coding strand, the complement: TERT is on the minus strand). VCF-style: chr5-1260471-C-T. GRCh37 (hg19) VCF-style: chr5-1260586-C-T.
Other names: c.2781+3G>A (NM_001193376.3).
Identifiers: ClinVar variation 2951649 (VCV002951649.3), dbSNP rs2478128918, ClinGen allele CA2578259553.
Genomic context (GRCh38, chr5:1,260,471, plus strand): 5'-CACACATACTTGCGCACACACCTCCTGAACTCTGAACTCTGTGCTGACCATCAGCCTGCT[C>T]ACCTGCAAATCCAGAAACAGGCTGTGACACTTCAGCCGCAAGACCCCAAAGAGTTTGCGA-3'

ClinVar aggregate classification (germline): Uncertain significance (1 of 4 stars; one submission).

Conditions:
Dyskeratosis congenita, autosomal dominant 2. Identifiers: MedGen C3151443, MONDO:0013521, OMIM 613989.
Idiopathic Pulmonary Fibrosis. Also called: Idiopathic fibrosing alveolitis, chronic form; idiopathic fibrosing alveolitis. Identifiers: Orphanet 2032, MedGen C1800706, MeSH D054990, MONDO:0800504.

Allele frequency attached by ClinVar (database versions not stated): gnomAD exomes below 0.00001.
gnomAD v4.1: 1 of 1,614,014 alleles (0.000062%); highest among the groups gnomAD compares: Non-Finnish European, 0.000085%; no homozygotes.

Submission:

Labcorp Genetics (formerly Invitae), Labcorp
Classification: Uncertain significance for Dyskeratosis congenita, autosomal dominant 2; Idiopathic Pulmonary Fibrosis. Last evaluated: 2023-11-14. Review status: criteria provided, single submitter. Criteria: Invitae Variant Classification Sherloc (09022015). Collection method: clinical testing. Allele origin: germline.
Comment: This sequence change falls in intron 12 of the TERT gene. It does not directly change the encoded amino acid sequence of the TERT protein. It affects a nucleotide within the consensus splice site. This variant is not present in population databases (gnomAD no frequency). This variant has not been reported in the literature in individuals affected with TERT-related conditions. Variants that disrupt the consensus splice site are a relatively common cause of aberrant splicing (PMID: 17576681, 9536098). Algorithms developed to predict the effect of sequence changes on RNA splicing suggest that this variant is not likely to affect RNA splicing. In summary, the available evidence is currently insufficient to determine the role of this variant in disease. Therefore, it has been classified as a Variant of Uncertain Significance.

Literature cited by the submitters: PubMed 17576681; PubMed 9536098.